The following is an entry in ClinVar:

ClinVar aggregate classification (germline): Conflicting classifications of pathogenicity. Review status: criteria provided, conflicting classifications (1 of 4 stars). 2 submissions from 2 submitters: Uncertain significance (1); Likely benign (1). Last evaluated 2024-07-18.

Allele frequency attached by ClinVar (database versions not stated): gnomAD exomes 0.00010 and 0.00004; ESP Exome Variant Server 0.00023; ExAC 0.00002; gnomAD 0.00005; TOPMed 0.00008.
gnomAD v4.1: 150 of 1,614,000 alleles (0.0093%); highest among the groups gnomAD compares: Non-Finnish European, 0.012%; no homozygotes.

Submissions (2):

Blueprint Genetics
Classification: Likely benign. Last evaluated: 2024-07-18. Review status: criteria provided, single submitter. Criteria: ACMG Guidelines, 2015. Collection method: clinical testing. Allele origin: germline.

Labcorp Genetics (formerly Invitae), Labcorp
Classification: Uncertain significance. Last evaluated: 2024-04-25. Review status: criteria provided, single submitter. Criteria: Invitae Variant Classification Sherloc (09022015). Collection method: clinical testing. Allele origin: germline.
Comment: This sequence change replaces proline, which is neutral and non-polar, with serine, which is neutral and polar, at codon 396 of the VCAN protein (p.Pro396Ser). This variant is present in population databases (rs368065150, gnomAD 0.008%). This variant has not been reported in the literature in individuals affected with VCAN-related conditions. ClinVar contains an entry for this variant (Variation ID: 862597). Algorithms developed to predict the effect of missense changes on protein structure and function output the following: SIFT: "Not Available"; PolyPhen-2: "Benign"; Align-GVGD: "Not Available". The serine amino acid residue is found in multiple mammalian species, which suggests that this missense change does not adversely affect protein function. In summary, the available evidence is currently insufficient to determine the role of this variant in disease. Therefore, it has been classified as a Variant of Uncertain Significance.

NM_004385.5(VCAN):c.1186C>T (p.Pro396Ser)

Gene: VCAN (versican; plus strand). Cytogenetic location: 5q14.3.
Variant type: single nucleotide variant.
Coding change: c.1186C>T on transcript NM_004385.5 (MANE Select); coding-DNA position 1186, C replaced by T.
Protein change: p.Pro396Ser; replaces proline 396 with serine.
Molecular consequence: missense variant. On other transcripts: intron variant (2).
Genome position (GRCh38, 1-based): chr5:83,519,492, C>T. VCF-style: chr5-83519492-C-T. GRCh37 (hg19) VCF-style: chr5-82815311-C-T.
Other names: c.1186C>T, p.Pro396Ser (NM_001164098.2); c.1042+7096C>T (NM_001164097.2, NM_001126336.3); short protein forms P396S.
Identifiers: ClinVar variation 862597 (VCV000862597.12), dbSNP rs368065150, ClinGen allele CA3332623.